The following is an entry in ClinVar:

NM_021625.5(TRPV4):c.928A>G (p.Lys310Glu)

Gene: TRPV4 (transient receptor potential cation channel subfamily V member 4; minus strand). Cytogenetic location: 12q24.11.
Variant type: single nucleotide variant.
Coding change: c.928A>G on transcript NM_021625.5 (MANE Select); coding-DNA position 928, A replaced by G.
Protein change: p.Lys310Glu; replaces lysine 310 with glutamic acid.
Molecular consequence: missense variant.
Genome position (GRCh38, 1-based): chr12:109,798,838, T>C on the plus strand (A>G on the coding strand, the complement: TRPV4 is on the minus strand). VCF-style: chr12-109798838-T-C. GRCh37 (hg19) VCF-style: chr12-110236643-T-C.
Other names: c.928A>G, p.Lys310Glu (NM_147204.3); c.787A>G, p.Lys263Glu (NM_001177428.2, NM_001177433.2); c.826A>G, p.Lys276Glu (NM_001177431.2); short protein forms K276E, K310E, K263E.
Identifiers: ClinVar variation 2097040 (VCV002097040.4), dbSNP rs2548750209, ClinGen allele CA386654966.

ClinVar aggregate classification (germline): Uncertain significance (1 of 4 stars; one submission).

Conditions:
Charcot-Marie-Tooth disease axonal type 2C (HMSN2C). Also called: Charcot-Marie-Tooth Disease Type 2, TRPV4-Related (CMT2C); CHARCOT-MARIE-TOOTH DISEASE, AXONAL, AUTOSOMAL DOMINANT, TYPE 2C; Charcot-Marie-Tooth Neuropathy Type 2C. Identifiers: Orphanet 99937, MedGen C1853710, MONDO:0011633, OMIM 606071.

Submission:

Labcorp Genetics (formerly Invitae), Labcorp
Classification: Uncertain significance for Charcot-Marie-Tooth disease axonal type 2C. Last evaluated: 2022-05-05. Review status: criteria provided, single submitter. Criteria: Invitae Variant Classification Sherloc (09022015). Collection method: clinical testing. Allele origin: germline.
Comment: In summary, the available evidence is currently insufficient to determine the role of this variant in disease. Therefore, it has been classified as a Variant of Uncertain Significance. Advanced modeling of protein sequence and biophysical properties (such as structural, functional, and spatial information, amino acid conservation, physicochemical variation, residue mobility, and thermodynamic stability) performed at Invitae indicates that this missense variant is expected to disrupt TRPV4 protein function. This missense change has been observed in individual(s) with clinical features of spondylometaphyseal dysplasia (Invitae). This variant is not present in population databases (gnomAD no frequency). This sequence change replaces lysine, which is basic and polar, with glutamic acid, which is acidic and polar, at codon 310 of the TRPV4 protein (p.Lys310Glu).